The following is an entry in ClinVar:

ClinVar aggregate classification (germline): Uncertain significance (1 of 4 stars; one submission).

Conditions:
Hereditary cancer-predisposing syndrome. Also called: Hereditary neoplastic syndrome; Neoplastic Syndromes, Hereditary; Tumor predisposition; Hereditary Cancer Syndrome. Identifiers: Orphanet 140162, MedGen C0027672, MeSH D009386, MONDO:0015356.

Submission:

Ambry Genetics
Classification: Uncertain significance for Hereditary cancer-predisposing syndrome. Last evaluated: 2025-01-17. Review status: criteria provided, single submitter. Criteria: Ambry Variant Classification Scheme 2023. Collection method: clinical testing. Allele origin: germline.
Comment: The p.N354D variant (also known as c.1060A>G), located in coding exon 4 of the BLM gene, results from an A to G substitution at nucleotide position 1060. The asparagine at codon 354 is replaced by aspartic acid, an amino acid with highly similar properties. This amino acid position is conserved. In addition, this alteration is predicted to be tolerated by in silico analysis. Based on the available evidence, the clinical significance of this variant remains unclear.

NM_000057.4(BLM):c.1060A>G (p.Asn354Asp)

Gene: BLM (BLM RecQ like helicase; plus strand). Cytogenetic location: 15q26.1.
Variant type: single nucleotide variant.
Coding change: c.1060A>G on transcript NM_000057.4 (MANE Select); coding-DNA position 1060, A replaced by G.
Protein change: p.Asn354Asp; replaces asparagine 354 with aspartic acid.
Molecular consequence: missense variant. On other transcripts: 5 prime UTR variant (1).
Genome position (GRCh38, 1-based): chr15:90,754,911, A>G. VCF-style: chr15-90754911-A-G. GRCh37 (hg19) VCF-style: chr15-91298141-A-G.
Other names: c.1060A>G, p.Asn354Asp (NM_001287246.2, NM_001287247.2); c.-232A>G (NM_001287248.2); short protein forms N354D.
Identifiers: ClinVar variation 3824455 (VCV003824455.1).